The following is an entry in ClinVar:

NM_000257.4(MYH7):c.5749G>T (p.Val1917Phe)

Gene: MYH7 (myosin heavy chain 7; minus strand). Cytogenetic location: 14q11.2.
Variant type: single nucleotide variant.
Coding change: c.5749G>T on transcript NM_000257.4 (MANE Select); coding-DNA position 5749, G replaced by T.
Protein change: p.Val1917Phe; replaces valine 1917 with phenylalanine.
Molecular consequence: missense variant.
Genome position (GRCh38, 1-based): chr14:23,413,800, C>A on the plus strand (G>T on the coding strand, the complement: MYH7 is on the minus strand). VCF-style: chr14-23413800-C-A. GRCh37 (hg19) VCF-style: chr14-23883009-C-A.
Other names: short protein forms V1917F.
Identifiers: ClinVar variation 43089 (VCV000043089.29), dbSNP rs397516255, ClinGen allele CA016449.

ClinVar aggregate classification (germline): Uncertain significance. Review status: criteria provided, multiple submitters, no conflicts (2 of 4 stars). 8 submissions from 8 submitters: Uncertain significance (6). 2 of the submissions do not count toward it. Last evaluated 2025-10-22.

Conditions:
Cardiovascular phenotype. Identifiers: MedGen CN230736.
Cardiomyopathy (CMYO). Also called: Cardiomyopathies. Identifiers: Orphanet 167848, MedGen C0878544, MONDO:0004994, HP:0001638. Inheritance: Various modes of inheritance.
Hypertrophic cardiomyopathy 1 (CMH1). Also called: MYH7-Related Familial Hypertrophic Cardiomyopathy; Familial hypertrophic cardiomyopathy 1. Identifiers: MedGen C3495498, MONDO:0008647, OMIM 192600.
Hypertrophic cardiomyopathy. Also called: HYPERTROPHIC MYOCARDIOPATHY. Identifiers: Orphanet 217569, MedGen C0007194, MeSH D002312, MONDO:0005045, HP:0001639.

Allele frequency attached by ClinVar (database versions not stated): gnomAD 0.00001; gnomAD exomes 0.00001 and 0.00003; TOPMed 0.00002.
gnomAD v4.1: 49 of 1,614,154 alleles (0.003%); highest among the groups gnomAD compares: Non-Finnish European, 0.0041%; no homozygotes.

Submissions (8):

Labcorp Genetics (formerly Invitae), Labcorp
Classification: Uncertain significance for Hypertrophic cardiomyopathy. Last evaluated: 2025-10-22. Review status: criteria provided, single submitter. Criteria: Invitae Variant Classification Sherloc (09022015). Collection method: clinical testing. Allele origin: germline.
Comment: This sequence change replaces valine, which is neutral and non-polar, with phenylalanine, which is neutral and non-polar, at codon 1917 of the MYH7 protein (p.Val1917Phe). This variant is present in population databases (rs397516255, gnomAD 0.003%). This missense change has been observed in individual(s) with hypertrophic cardiomyopathy (PMID: 27532257, 33495596, 37652022). ClinVar contains an entry for this variant (Variation ID: 43089). Invitae Evidence Modeling of protein sequence and biophysical properties (such as structural, functional, and spatial information, amino acid conservation, physicochemical variation, residue mobility, and thermodynamic stability) indicates that this missense variant is expected to disrupt MYH7 protein function with a positive predictive value of 95%. In summary, the available evidence is currently insufficient to determine the role of this variant in disease. Therefore, it has been classified as a Variant of Uncertain Significance.

Victorian Clinical Genetics Services, Murdoch Childrens Research Institute
Classification: Uncertain significance for Hypertrophic cardiomyopathy 1. Last evaluated: 2024-10-09. Review status: criteria provided, single submitter. Criteria: ACMG Guidelines, 2015. Collection method: clinical testing. Allele origin: germline. Inheritance: Autosomal dominant inheritance. Affected: yes.
Comment: Based on the classification scheme VCGS_Germline_v1.3.4, this variant is classified as VUS-3B. Following criteria are met: 0105 - The mechanism of disease for this gene is not clearly established; however, missense variants have been proposed to act in a dominant negative manner (PMID: 24714796). (I) 0108 - This gene is associated with both recessive and dominant disease. Disease associated with this gene usually has autosomal dominant inheritance; however, a recessive inheritance pattern has been observed in severe cases (OMIM). (I) 0112 - The condition associated with this gene has incomplete penetrance (PMID: 29300372). (I) 0200 - Variant is predicted to result in a missense amino acid change from valine to phenylalanine. (I) 0251 - This variant is heterozygous. (I) 0304 - Variant is present in gnomAD <0.01 (v2: 3 heterozygotes, 0 homozygotes). (SP) 0502 - Missense variant with conflicting in silico predictions and high conservation. (I) 0600 - Variant is located in the annotated myosin tail 1 domain (DECIPHER). (I) 0705 - No comparable missense variants have previous evidence for pathogenicity. (I) 0809 - Previous evidence of pathogenicity for this variant is inconclusive. This variant has been reported as a VUS by multiple clinical laboratories in ClinVar, including in individuals with hypertrophic cardiomyopathy. (I) 0905 - No published segregation evidence has been identified for this variant. (I) 1007 - No published functional evidence has been identified for this variant. (I) 1208 - Inheritance information for this variant is not currently available in this individual. (I) Legend: (SP) - Supporting pathogenic, (I) - Information, (SB) - Supporting benign

Color Diagnostics, LLC DBA Color Health
Classification: Uncertain significance for Cardiomyopathy. Last evaluated: 2024-03-26. Review status: criteria provided, single submitter. Criteria: ACMG Guidelines, 2015. Collection method: clinical testing. Allele origin: germline.
Comment: This missense variant replaces valine with phenylalanine at codon 1917 of the MYH7 protein. Computational prediction tools indicate that this variant has a deleterious impact on protein structure and function. To our knowledge, functional studies have not been reported for this variant. This variant has been reported in two individuals affected with hypertrophic cardiomyopathy (PMID: 27532257, 33495596, 33495597). This variant has been identified in 3/251424 chromosomes in the general population by the Genome Aggregation Database (gnomAD). The available evidence is insufficient to determine the role of this variant in disease conclusively. Therefore, this variant is classified as a Variant of Uncertain Significance.

Ambry Genetics
Classification: Uncertain significance for Cardiovascular phenotype. Last evaluated: 2023-01-19. Review status: criteria provided, single submitter. Criteria: Ambry Variant Classification Scheme 2023. Collection method: clinical testing. Allele origin: germline.
Comment: The p.V1917F variant (also known as c.5749G>T), located in coding exon 37 of the MYH7 gene, results from a G to T substitution at nucleotide position 5749. The valine at codon 1917 is replaced by phenylalanine, an amino acid with highly similar properties. This alteration has been reported in hypertrophic cardiomyopathy (HCM) cohorts; however, clinical details were limited (Walsh R et al. Genet Med, 2017 Feb;19:192-203; Tadros R et al. Nat Genet, 2021 Feb;53:128-134). This amino acid position is highly conserved in available vertebrate species. In addition, this alteration is predicted to be deleterious by in silico analysis. Since supporting evidence is limited at this time, the clinical significance of this alteration remains unclear.

CHEO Genetics Diagnostic Laboratory, Children's Hospital of Eastern Ontario
Classification: Uncertain significance for Cardiomyopathy. Last evaluated: 2022-02-07. Review status: criteria provided, single submitter. Criteria: ACMG Guidelines, 2015. Collection method: clinical testing. Allele origin: germline.

Laboratory for Molecular Medicine, Mass General Brigham Personalized Medicine
Classification: Uncertain significance for Hypertrophic cardiomyopathy. Last evaluated: 2019-04-04. Review status: criteria provided, single submitter. Criteria: ACMG Guidelines, 2015. Collection method: clinical testing. Allele origin: germline.
Comment: The p.Val1917Phe variant in MYH7 has not been reported in the literature. This low frequency is consistent with a pathogenic role. In addition, valine (Val) at position 1917 is conserved in evolutionary distant species, suggesting that a change would not be tolerated. Finally, this variant was predicted to be pathogenic using a novel computational tool, which was validated by our laboratory using a set of cardiomyopathy variants with well-established clinical significance. This tool's pathogenic prediction is estimated to be correct 94% of the time, which suggests but does not prove that this variant is pathogenic (Jordan 2011). In summary, while this variant is likely to be pathogenic, its clinical significance cannot be determined with certainty because it has not yet been observed in isolation.

Clinical Genetics DNA and cytogenetics Diagnostics Lab, Erasmus MC, Erasmus Medical Center
Classification: Uncertain significance. Review status: no assertion criteria provided. Collection method: clinical testing. Allele origin: germline. Affected: yes. Study: VKGL Data-share Consensus. Not counted in ClinVar's aggregate classification.

Joint Genome Diagnostic Labs from Nijmegen and Maastricht, Radboudumc and MUMC+
Classification: Uncertain significance. Review status: no assertion criteria provided. Collection method: clinical testing. Allele origin: germline. Affected: yes. Study: VKGL Data-share Consensus. Not counted in ClinVar's aggregate classification.

Literature cited by the submitters: PubMed 27532257 (cited by 3 submitters); PubMed 33495596 (cited by 3 submitters); PubMed 37652022 (cited by Labcorp Genetics (formerly Invitae), Labcorp); PubMed 24714796 (cited by Victorian Clinical Genetics Services, Murdoch Childrens Research Institute); PubMed 29300372 (cited by Victorian Clinical Genetics Services, Murdoch Childrens Research Institute); PubMed 33495597 (cited by Color Diagnostics, LLC DBA Color Health).